The following is an entry in ClinVar:

ClinVar aggregate classification (germline): Likely benign. Review status: criteria provided, multiple submitters, no conflicts (2 of 4 stars). 3 submissions from 3 submitters: Likely benign (3). Last evaluated 2025-08-20.

Conditions:
Familial meningioma. Also called: Meningioma, familial, susceptibility to. Identifiers: Orphanet 263662, MedGen C3551915, MONDO:0011789, OMIM 607174.
Hereditary cancer-predisposing syndrome. Also called: Hereditary Cancer Syndrome; Tumor predisposition; Hereditary neoplastic syndrome; Neoplastic Syndromes, Hereditary. Identifiers: Orphanet 140162, MedGen C0027672, MeSH D009386, MONDO:0015356.

Allele frequency attached by ClinVar (database versions not stated): gnomAD exomes below 0.00001 and 0.00002; ExAC 0.00002; TOPMed 0.00006; gnomAD 0.00007 and 0.00008; ESP Exome Variant Server 0.00008; 1000 Genomes Project 0.00020; 1000 Genomes Project 30x 0.00031.

Submissions (3):

Labcorp Genetics (formerly Invitae), Labcorp
Classification: Likely benign for Familial meningioma. Last evaluated: 2025-08-20. Review status: criteria provided, single submitter. Criteria: Invitae Variant Classification Sherloc (09022015). Collection method: clinical testing. Allele origin: germline.

CeGaT Center for Human Genetics Tuebingen
Classification: Likely benign. Last evaluated: 2025-07-01. Review status: criteria provided, single submitter. Criteria: CeGaT Center For Human Genetics Tuebingen Variant Classification Criteria Version 2. Collection method: clinical testing. Allele origin: germline. Affected: yes. Observed: 1 variant allele.
Comment: SMARCE1: BP4, BP7

Ambry Genetics
Classification: Likely benign for Hereditary cancer-predisposing syndrome. Last evaluated: 2020-04-29. Review status: criteria provided, single submitter. Criteria: Ambry Variant Classification Scheme 2023. Collection method: clinical testing. Allele origin: germline.

NM_003079.5(SMARCE1):c.999A>G (p.Lys333=)

Gene: SMARCE1 (SWI/SNF related BAF chromatin remodeling complex subunit E1; minus strand). Cytogenetic location: 17q21.2.
Variant type: single nucleotide variant.
Coding change: c.999A>G on transcript NM_003079.5 (MANE Select); coding-DNA position 999, A replaced by G.
Protein change: p.Lys333=; no amino-acid change (lysine 333 retained).
Molecular consequence: synonymous variant.
Genome position (GRCh38, 1-based): chr17:40,630,742, T>C on the plus strand (A>G on the coding strand, the complement: SMARCE1 is on the minus strand). VCF-style: chr17-40630742-T-C. GRCh37 (hg19) VCF-style: chr17-38786994-T-C.
Identifiers: ClinVar variation 757083 (VCV000757083.21), dbSNP rs372423633, ClinGen allele CA8545121.
Genomic context (GRCh38, chr17:40,630,742, plus strand): 5'-CACTGCCTCTGCGTTTGTTGCTAGTGGGTTACCTGTCTCCATCGGAATGTTCTCGTCGTC[T>C]TTCTTCTCCTCGCCTTTGTTAGCTGCTTGTTCTTCCTCAGGAACGATGCTGCTCTGACTG-3'
Protein context (NP_003070.3, residues 323-343): EQAANKGEEK[Lys333=]DDENIPMETE